The following is an entry in ClinVar:

NM_004082.5(DCTN1):c.2341G>T (p.Ala781Ser)

Gene: DCTN1 (dynactin subunit 1; minus strand). Cytogenetic location: 2p13.1.
Variant type: single nucleotide variant.
Coding change: c.2341G>T on transcript NM_004082.5 (MANE Select); coding-DNA position 2341, G replaced by T.
Protein change: p.Ala781Ser; replaces alanine 781 with serine.
Molecular consequence: missense variant. On other transcripts: non-coding transcript variant (1).
Genome position (GRCh38, 1-based): chr2:74,366,908, C>A on the plus strand (G>T on the coding strand, the complement: DCTN1 is on the minus strand). VCF-style: chr2-74366908-C-A. GRCh37 (hg19) VCF-style: chr2-74594035-C-A.
Other names: c.2281G>T, p.Ala761Ser (NM_001135040.3); c.1939G>T, p.Ala647Ser (NM_001135041.3, NM_023019.4); c.2230G>T, p.Ala744Ser (NM_001190836.2); c.2320G>T, p.Ala774Ser (NM_001190837.2); c.2290G>T, p.Ala764Ser (NM_001378991.1); c.2272G>T, p.Ala758Ser (NM_001378992.1); short protein forms A647S, A761S, A764S, A774S, A781S, A744S, A758S.
Identifiers: ClinVar variation 1414502 (VCV001414502.6), dbSNP rs1266701728, ClinGen allele CA347347827.

ClinVar aggregate classification (germline): Uncertain significance (1 of 4 stars; one submission).

Conditions:
Amyotrophic lateral sclerosis type 1 (ALS1). Also called: AMYOTROPHIC LATERAL SCLEROSIS 1, FAMILIAL. Identifiers: Orphanet 803, MedGen C1862939, MONDO:0007103, OMIM 105400.
Perry syndrome. Also called: PARKINSONISM WITH ALVEOLAR HYPOVENTILATION AND MENTAL DEPRESSION. Identifiers: Orphanet 178509, MedGen C1868594, MONDO:0008201, OMIM 168605.
Neuronopathy, distal hereditary motor, type 7B. Also called: LOWER MOTOR NEURON DISEASE, DYNACTIN TYPE; HMN VIIB; Distal Hereditary Motor Neuronopathy Type 7B (dHMN7B); NEURONOPATHY, DISTAL HEREDITARY MOTOR, AUTOSOMAL DOMINANT 14; NEURONOPATHY, DISTAL HEREDITARY MOTOR, HARDING TYPE VIIB; NEUROPATHY, DISTAL HEREDITARY MOTOR, HARDING TYPE VIIB. Identifiers: Orphanet 139589, MedGen C1843315, MONDO:0011879, OMIM 607641.

Allele frequency attached by ClinVar (database versions not stated): gnomAD exomes below 0.00001; gnomAD 0.00001; TOPMed 0.00001.
gnomAD v4.1: 3 of 1,614,066 alleles (0.00019%); highest among the groups gnomAD compares: Admixed American, 0.0033%; no homozygotes.

Submission:

Labcorp Genetics (formerly Invitae), Labcorp
Classification: Uncertain significance for Amyotrophic lateral sclerosis type 1; Neuronopathy, distal hereditary motor, type 7B; Perry syndrome. Last evaluated: 2023-08-14. Review status: criteria provided, single submitter. Criteria: Invitae Variant Classification Sherloc (09022015). Collection method: clinical testing. Allele origin: germline.
Comment: Advanced modeling of protein sequence and biophysical properties (such as structural, functional, and spatial information, amino acid conservation, physicochemical variation, residue mobility, and thermodynamic stability) performed at Invitae indicates that this missense variant is not expected to disrupt DCTN1 protein function. This sequence change replaces alanine, which is neutral and non-polar, with serine, which is neutral and polar, at codon 781 of the DCTN1 protein (p.Ala781Ser). This variant is present in population databases (no rsID available, gnomAD 0.003%). This variant has not been reported in the literature in individuals affected with DCTN1-related conditions. ClinVar contains an entry for this variant (Variation ID: 1414502). In summary, the available evidence is currently insufficient to determine the role of this variant in disease. Therefore, it has been classified as a Variant of Uncertain Significance.